The following is an entry in ClinVar:

ClinVar aggregate classification (germline): Likely pathogenic. Review status: criteria provided, single submitter (1 of 4 stars). 2 submissions from 1 submitter: Likely pathogenic (2). Last evaluated 2023-11-28.

Conditions:
Combined immunodeficiency due to DOCK8 deficiency (HIES2). Also called: Hyper-IgE recurrent infection syndrome, autosomal recessive; HYPER-IgE RECURRENT INFECTION SYNDROME 2, AUTOSOMAL RECESSIVE; HYPER-IgE SYNDROME 2, AUTOSOMAL RECESSIVE, WITH RECURRENT INFECTIONS; DOCK8 Deficiency; HIES autosomal recessive. Identifiers: Orphanet 217390, MedGen C4722305, MONDO:0009478, OMIM 243700.

Submissions (2):

Labcorp Genetics (formerly Invitae), Labcorp
Classification: Likely pathogenic for Combined immunodeficiency due to DOCK8 deficiency. Last evaluated: 2023-11-28. Review status: criteria provided, single submitter. Criteria: Invitae Variant Classification Sherloc (09022015). Collection method: clinical testing. Allele origin: unknown.
Comment: This variant results in a copy number gain of the genomic region encompassing exon(s) 2-26 of the DOCK8 gene. While the exact position of this variant cannot be determined from the data, sub-genic copy number gains are generally in tandem (PMID: 25640679). This variant is predicted to be out-of-frame, and may result in an absent or disrupted protein product. Loss-of-function variants in DOCK8 are known to be pathogenic (PMID: 14722525, 19776401). This variant has not been reported in the literature in individuals affected with DOCK8-related conditions. In summary, the currently available evidence indicates that the variant is pathogenic, but additional data are needed to prove that conclusively. Therefore, this variant has been classified as Likely Pathogenic.

Labcorp Genetics (formerly Invitae), Labcorp
Classification: Likely pathogenic for Combined immunodeficiency due to DOCK8 deficiency. Last evaluated: 2022-09-10. Review status: criteria provided, single submitter. Criteria: Invitae Variant Classification Sherloc (09022015). Collection method: clinical testing. Allele origin: germline.
Comment: the same text as in the submission from Labcorp Genetics (formerly Invitae), Labcorp above.

Literature cited by the submitters: PubMed 25640679; PubMed 14722525; PubMed 19776401.

NC_000009.11:g.(?_271607)_(399279_?)dup

Gene: DOCK8 (dedicator of cytokinesis 8; plus strand). Cytogenetic location: 9p24.3.
Variant type: Duplication.
Identifiers: ClinVar variation 1067654 (VCV001067654.3).